The following is an entry in ClinVar:

ClinVar aggregate classification (germline): Uncertain significance. Review status: criteria provided, multiple submitters, no conflicts (2 of 4 stars). 2 submissions from 2 submitters: Uncertain significance (2). Last evaluated 2025-03-18.

Conditions:
Hereditary cancer-predisposing syndrome. Also called: Neoplastic Syndromes, Hereditary; Tumor predisposition; Hereditary Cancer Syndrome; Hereditary neoplastic syndrome. Identifiers: Orphanet 140162, MedGen C0027672, MeSH D009386, MONDO:0015356.
Hereditary nonpolyposis colorectal neoplasms. Identifiers: MedGen C0009405, MeSH D003123.

Submissions (2):

Labcorp Genetics (formerly Invitae), Labcorp
Classification: Uncertain significance for Hereditary nonpolyposis colorectal neoplasms. Last evaluated: 2025-03-18. Review status: criteria provided, single submitter. Criteria: Invitae Variant Classification Sherloc (09022015). Collection method: clinical testing. Allele origin: germline.
Comment: This variant, c.4011_4019dup, results in the insertion of 3 amino acid(s) of the MSH6 protein (p.Leu1338_Ser1340dup), but otherwise preserves the integrity of the reading frame. This variant is not present in population databases (gnomAD no frequency). This variant has not been reported in the literature in individuals affected with MSH6-related conditions. ClinVar contains an entry for this variant (Variation ID: 483789). In summary, the available evidence is currently insufficient to determine the role of this variant in disease. Therefore, it has been classified as a Variant of Uncertain Significance.

Ambry Genetics
Classification: Uncertain significance for Hereditary cancer-predisposing syndrome. Last evaluated: 2023-03-21. Review status: criteria provided, single submitter. Criteria: Ambry Variant Classification Scheme 2023. Collection method: clinical testing. Allele origin: germline.
Comment: The c.4011_4019dupCCTGGCTAG variant (also known as p.L1338_S1340dup), located in coding exon 10 of the MSH6 gene, results from an in-frame duplication of CCTGGCTAG at nucleotide positions 4011 to 4019. This results in the duplication of 3 extra residues (LAS) between codons 1338 and 1340. This amino acid region is not well conserved in available vertebrate species. In addition, this alteration is predicted to be neutral by in silico analysis (Choi Y et al. PLoS ONE. 2012; 7(10):e46688). Since supporting evidence is limited at this time, the clinical significance of this alteration remains unclear.

NM_000179.3(MSH6):c.4011_4019dup (p.Leu1338_Ser1340dup)

Gene: MSH6 (mutS homolog 6; plus strand). Cytogenetic location: 2p16.3.
Variant type: Duplication.
Coding change: c.4011_4019dup on transcript NM_000179.3 (MANE Select); coding-DNA positions 4011 to 4019, 9 bases duplicated (CCTGGCTAG; older notation c.4011_4019dupCCTGGCTAG).
Protein change: p.Leu1338_Ser1340dup.
Molecular consequence: inframe insertion.
Genome position (GRCh38, 1-based): chr2:47,806,788-47,806,796, CCTGGCTAG duplicated; duplicating any 9 consecutive bases within chr2:47,806,787-47,806,796 gives the same sequence; the c. name uses the placement nearest the transcript's 3' end. VCF-style (leftmost placement, unchanged base first): chr2-47806786-T-TGCCTGGCTA. GRCh37 (hg19) VCF-style: chr2-48033925-T-TGCCTGGCTA.
Other names: c.3621_3629dup, p.Leu1208_Ser1210dup (NM_001281492.2); c.3105_3113dup, p.Leu1036_Ser1038dup (NM_001281493.2, NM_001281494.2); c.4011_4019dupCCTGGCTAG (NM_000179.2).
Identifiers: ClinVar variation 483789 (VCV000483789.9), dbSNP rs959068333, ClinGen allele CA46720362.
Genomic context (GRCh38, chr2:47,806,786, plus strand): 5'-GATGCACTATGAAAAAACAAAAAAACTTTTTTTTTTTTTTTTTTAATTTTAAGGGAAGTT[T>TGCCTGGCTA]GCCTGGCTAGTGAAAGGTCAACTGTAGATGCTGAAGCTGTCCATAAATTGCTGACTTTGA-3'